The following is an entry in ClinVar:

ClinVar aggregate classification (germline): Pathogenic (1 of 4 stars; one submission).

Conditions:
Von Hippel-Lindau syndrome (VHLS). Also called: von Hippel–Lindau syndrome; Von Hippel-Lindau; VHL syndrome. Identifiers: Orphanet 892, MedGen C0019562, MONDO:0008667, OMIM 193300. Disease mechanism: loss of function.

Submission:

Myriad Genetics, Inc.
Classification: Pathogenic for Von Hippel-Lindau syndrome. Last evaluated: 2024-03-21. Review status: criteria provided, single submitter. Criteria: Myriad Autosomal Dominant, Autosomal Recessive and X-Linked Classification Criteria (2023). Collection method: clinical testing. Allele origin: unknown.
Comment: This variant is considered pathogenic. This variant creates a frameshift predicted to result in premature protein truncation.

NM_000551.4(VHL):c.369del (p.Thr124fs)

Genes: VHL (von Hippel-Lindau tumor suppressor; plus strand), LOC107303340 (3p25 von Hippel-Lindau tumor suppressor, E3 ubiquitin protein ligase Alu-mediated recombination region; plus strand). Cytogenetic location: 3p25.3.
Variant type: Deletion.
Coding change: c.369del on transcript NM_000551.4 (MANE Select); coding-DNA position 369, one base deleted (G; older notation c.369delG).
Protein change: p.Thr124fs; shifts the reading frame from threonine 124.
Molecular consequence: frameshift variant. On other transcripts: non-coding transcript variant (1), intron variant (2).
Genome position (GRCh38, 1-based): chr3:10,146,542, G deleted; the last of 3 consecutive G bases (chr3:10,146,540-10,146,542); deleting any one gives the same sequence. VCF-style (leftmost placement, unchanged base first): chr3-10146539-AG-A. GRCh37 (hg19) VCF-style: chr3-10188223-AG-A.
Other names: c.*18-3245del (NM_001354723.2); c.341-3245del (NM_198156.3); short protein forms T124fs.
Identifiers: ClinVar variation 3148727 (VCV003148727.1), dbSNP rs2470165070, ClinGen allele CA432421810.
Genomic context (GRCh38, chr3:10,146,539, plus strand): 5'-TGTGGCTCTTTAACAACCTTTGCTTGTCCCGATAGGTCACCTTTGGCTCTTCAGAGATGC[AG>A]GGACACACGATGGGCTTCTGGTTAACCAAACTGAATTATTTGTGCCATCTCTCAATGTTG-3'